The following is an entry in ClinVar:

NM_000517.6(HBA2):c.186G>A (p.Lys62=)

Genes: HBA2 (hemoglobin subunit alpha 2; plus strand), LOC106804612 (hemoglobin subunit alpha 2 recombination region; plus strand). Cytogenetic location: 16p13.3.
Variant type: single nucleotide variant.
Coding change: c.186G>A on transcript NM_000517.6 (MANE Select); coding-DNA position 186, G replaced by A.
Protein change: p.Lys62=; no amino-acid change (lysine 62 retained).
Molecular consequence: synonymous variant.
Genome position (GRCh38, 1-based): chr16:173,215, G>A. VCF-style: chr16-173215-G-A. GRCh37 (hg19) VCF-style: chr16-223214-G-A.
Identifiers: ClinVar variation 4280312 (VCV004280312.1).
Genomic context (GRCh38, chr16:173,215, plus strand): 5'-CTACTTCCCGCACTTCGACCTGAGCCACGGCTCTGCCCAGGTTAAGGGCCACGGCAAGAA[G>A]GTGGCCGACGCGCTGACCAACGCCGTGGCGCACGTGGACGACATGCCCAACGCGCTGTCC-3'
Protein context (NP_000508.1, residues 52-72): GSAQVKGHGK[Lys62=]VADALTNAVA

ClinVar aggregate classification (germline): Likely pathogenic (0 of 4 stars; one submission).

Conditions:
alpha Thalassemia. Also called: Alpha thalassemia spectrum. Identifiers: Orphanet 846, MedGen C0002312, MONDO:0011399, OMIM 604131.

Submission:

Precision Medicine Lab Center, Yangjiang People's Hospital
Classification: Likely pathogenic for alpha Thalassemia. Last evaluated: 2023-10-16. Review status: no assertion criteria provided. Collection method: clinical testing. Allele origin: germline. Affected: yes.
Comment: HBA2:c.186G>A – This variant involves a substitution of G to A at position 186 in the coding sequence of the HBA2 gene. However, it does not alter the encoded amino acid (tryptophan). This variant is not recorded in current databases. These findings suggest a potential pathogenic significance.